The following is an entry in ClinVar:

ClinVar aggregate classification (germline): Conflicting classifications of pathogenicity. Review status: criteria provided, conflicting classifications (1 of 4 stars). 3 submissions from 3 submitters: Uncertain significance (1); Likely benign (2). Last evaluated 2026-02-23.

Conditions:
Inborn genetic diseases. Identifiers: MedGen C0950123, MeSH D030342.

Allele frequency attached by ClinVar (database versions not stated): gnomAD exomes 0.00002 and 0.00008; ExAC 0.00008; gnomAD 0.00022 and 0.00028; TOPMed 0.00034; ESP Exome Variant Server 0.00046.
gnomAD v4.1: 64 of 1,613,892 alleles (0.004%); highest among the groups gnomAD compares: African/African-American, 0.072%; no homozygotes.

Submissions (3):

Women's Health and Genetics/Laboratory Corporation of America, LabCorp
Classification: Likely benign. Last evaluated: 2026-02-23. Review status: criteria provided, single submitter. Criteria: LabCorp Variant Classification Summary - May 2015. Collection method: clinical testing. Allele origin: germline.
Comment: Variant summary: CLCNKB c.1192A>G (p.Ile398Val) results in a conservative amino acid change in the encoded protein sequence. Algorithms developed to predict the effect of missense changes on protein structure and function are either unavailable or do not agree on the potential impact of this missense change. The variant allele was found at a frequency of 7.6e-05 in 251282 control chromosomes, predominantly at a frequency of 0.0012 within the African or African-American subpopulation in the gnomAD database. The observed variant frequency within African or African-American control individuals in the gnomAD database exceeds the estimated maximal expected allele frequency for disease-causing variants in CLCNKB. To our knowledge, no occurrence of c.1192A>G in individuals affected with CLCNKB-related conditions and no experimental evidence demonstrating its impact on protein function have been reported. ClinVar contains an entry for this variant (Variation ID: 1551755). Based on the evidence outlined above, the variant was classified as likely benign.

Labcorp Genetics (formerly Invitae), Labcorp
Classification: Likely benign. Last evaluated: 2025-09-27. Review status: criteria provided, single submitter. Criteria: Invitae Variant Classification Sherloc (09022015). Collection method: clinical testing. Allele origin: germline.

Ambry Genetics
Classification: Uncertain significance for Inborn genetic diseases. Last evaluated: 2025-08-29. Review status: criteria provided, single submitter. Criteria: Ambry Variant Classification Scheme 2023. Collection method: clinical testing. Allele origin: germline.

NM_000085.5(CLCNKB):c.1192A>G (p.Ile398Val)

Genes: CLCNKB (chloride voltage-gated channel Kb; plus strand), LOC106501713 (CLCNKB recombination region; plus strand). Cytogenetic location: 1p36.13.
Variant type: single nucleotide variant.
Coding change: c.1192A>G on transcript NM_000085.5 (MANE Select); coding-DNA position 1192, A replaced by G.
Protein change: p.Ile398Val; replaces isoleucine 398 with valine.
Molecular consequence: missense variant.
Genome position (GRCh38, 1-based): chr1:16,051,013, A>G. VCF-style: chr1-16051013-A-G. GRCh37 (hg19) VCF-style: chr1-16377508-A-G.
Other names: c.1192A>G (NM_000085.3); c.685A>G, p.Ile229Val (NM_001165945.2); short protein forms I229V, I398V.
Identifiers: ClinVar variation 1551755 (VCV001551755.11), dbSNP rs369169829, ClinGen allele CA623736.